The following is an entry in ClinVar:

NM_001382422.1(EXOC3L2):c.2243G>A (p.Arg748Gln)

Genes: BLOC1S3 (biogenesis of lysosomal organelles complex 1 subunit 3; plus strand), EXOC3L2 (exocyst complex component 3 like 2; minus strand). Cytogenetic location: 19q13.32.
Variant type: single nucleotide variant.
Coding change: c.2243G>A on transcript NM_001382422.1 (MANE Select); coding-DNA position 2243, G replaced by A.
Protein change: p.Arg748Gln; replaces arginine 748 with glutamine.
Molecular consequence: missense variant.
Genome position (GRCh38, 1-based): chr19:45,213,235, C>T on the plus strand (G>A on the coding strand, the complement: EXOC3L2 is on the minus strand). VCF-style: chr19-45213235-C-T. GRCh37 (hg19) VCF-style: chr19-45716493-C-T.
Other names: short protein forms R748Q.
Identifiers: ClinVar variation 4873162 (VCV004873162.2).

ClinVar aggregate classification (germline): Uncertain significance (1 of 4 stars; one submission).

gnomAD v4.1: 29 of 1,612,824 alleles (0.0018%); highest among the groups gnomAD compares: South Asian, 0.0055%; no homozygotes.

Submission:

CeGaT Center for Human Genetics Tuebingen
Classification: Uncertain significance. Last evaluated: 2026-03-01. Review status: criteria provided, single submitter. Criteria: CeGaT Center For Human Genetics Tuebingen Variant Classification Criteria Version 2. Collection method: clinical testing. Allele origin: germline. Affected: yes. Observed: 1 variant allele.
Comment: EXOC3L2: PM2